The following is an entry in ClinVar:

NM_016580.4(PCDH12):c.2471G>A (p.Arg824Lys)

Genes: PCDH12 (protocadherin 12; minus strand), RNF14 (ring finger protein 14; plus strand). Cytogenetic location: 5q31.3.
Variant type: single nucleotide variant.
Coding change: c.2471G>A on transcript NM_016580.4 (MANE Select); coding-DNA position 2471, G replaced by A.
Protein change: p.Arg824Lys; replaces arginine 824 with lysine.
Molecular consequence: missense variant.
Genome position (GRCh38, 1-based): chr5:141,955,381, C>T on the plus strand (G>A on the coding strand, the complement: PCDH12 is on the minus strand). VCF-style: chr5-141955381-C-T. GRCh37 (hg19) VCF-style: chr5-141334946-C-T.
Other names: short protein forms R824K.
Identifiers: ClinVar variation 2106565 (VCV002106565.4), dbSNP rs2532551431, ClinGen allele CA361574539.

ClinVar aggregate classification (germline): Uncertain significance (1 of 4 stars; one submission).

Allele frequency attached by ClinVar (database versions not stated): gnomAD exomes below 0.00001.
gnomAD v4.1: 1 of 1,614,060 alleles (0.000062%); highest among the groups gnomAD compares: East Asian, 0.0022%; no homozygotes.

Submission:

Labcorp Genetics (formerly Invitae), Labcorp
Classification: Uncertain significance. Last evaluated: 2024-10-29. Review status: criteria provided, single submitter. Criteria: Invitae Variant Classification Sherloc (09022015). Collection method: clinical testing. Allele origin: germline.
Comment: This sequence change replaces arginine, which is basic and polar, with lysine, which is basic and polar, at codon 824 of the PCDH12 protein (p.Arg824Lys). This variant is not present in population databases (gnomAD no frequency). This variant has not been reported in the literature in individuals affected with PCDH12-related conditions. ClinVar contains an entry for this variant (Variation ID: 2106565). Invitae Evidence Modeling of protein sequence and biophysical properties (such as structural, functional, and spatial information, amino acid conservation, physicochemical variation, residue mobility, and thermodynamic stability) indicates that this missense variant is not expected to disrupt PCDH12 protein function with a negative predictive value of 95%. In summary, the available evidence is currently insufficient to determine the role of this variant in disease. Therefore, it has been classified as a Variant of Uncertain Significance.